The following is an entry in ClinVar:

ClinVar aggregate classification (germline): Uncertain significance. Review status: criteria provided, multiple submitters, no conflicts (2 of 4 stars). 2 submissions from 2 submitters: Uncertain significance (2). Last evaluated 2026-08-04.

Conditions:
COL2A1-related disorder. Also called: COL2A1-related condition; COL2A1-related disorders.

gnomAD v4.1: 3 of 1,613,168 alleles (0.00019%); highest among the groups gnomAD compares: Non-Finnish European, 0.00025%; no homozygotes.

Submissions (2):

PreventionGenetics, part of Exact Sciences
Classification: Uncertain significance for COL2A1-related condition. Last evaluated: 2026-08-04. Review status: criteria provided, single submitter. Criteria: ACMG Guidelines, 2015. Collection method: clinical testing. Allele origin: germline.
Comment: The COL2A1 c.3889G>A variant is predicted to result in the amino acid substitution p.Asp1297Asn. To our knowledge, this variant has not been reported in the literature. This variant is present in 0.00088% of alleles in individuals of European (Non-Finnish) descent in gnomAD. At this time, the clinical significance of this variant is uncertain due to the absence of conclusive functional and genetic evidence.

Labcorp Genetics (formerly Invitae), Labcorp
Classification: Uncertain significance. Last evaluated: 2024-11-12. Review status: criteria provided, single submitter. Criteria: Invitae Variant Classification Sherloc (09022015). Collection method: clinical testing. Allele origin: germline.
Comment: This sequence change replaces aspartic acid, which is acidic and polar, with asparagine, which is neutral and polar, at codon 1297 of the COL2A1 protein (p.Asp1297Asn). This variant is present in population databases (rs761073811, gnomAD 0.0009%). This variant has not been reported in the literature in individuals affected with COL2A1-related conditions. Experimental studies and prediction algorithms are not available or were not evaluated, and the functional significance of this variant is currently unknown. In summary, the available evidence is currently insufficient to determine the role of this variant in disease. Therefore, it has been classified as a Variant of Uncertain Significance.

NM_001844.5(COL2A1):c.3889G>A (p.Asp1297Asn)

Gene: COL2A1 (collagen type II alpha 1 chain; minus strand). Cytogenetic location: 12q13.11.
Variant type: single nucleotide variant.
Coding change: c.3889G>A on transcript NM_001844.5 (MANE Select); coding-DNA position 3889, G replaced by A.
Protein change: p.Asp1297Asn; replaces aspartic acid 1297 with asparagine.
Molecular consequence: missense variant.
Genome position (GRCh38, 1-based): chr12:47,974,860, C>T on the plus strand (G>A on the coding strand, the complement: COL2A1 is on the minus strand). VCF-style: chr12-47974860-C-T. GRCh37 (hg19) VCF-style: chr12-48368643-C-T.
Other names: c.3889G>A (NM_001844.4); c.3682G>A, p.Asp1228Asn (NM_033150.3); short protein forms D1228N, D1297N.
Identifiers: ClinVar variation 3605095 (VCV003605095.3).